The following is an entry in ClinVar:

NM_181523.3(PIK3R1):c.1815-18T>C

Gene: PIK3R1 (phosphoinositide-3-kinase regulatory subunit 1; plus strand). Cytogenetic location: 5q13.1.
Variant type: single nucleotide variant.
Coding change: c.1815-18T>C on transcript NM_181523.3 (MANE Select); 18 bases into the intron before coding-DNA position 1815, T replaced by C.
Molecular consequence: intron variant.
Genome position (GRCh38, 1-based): chr5:68,296,153, T>C. VCF-style: chr5-68296153-T-C. GRCh37 (hg19) VCF-style: chr5-67591981-T-C.
Other names: c.915-18T>C (NM_181524.2); c.1005-18T>C (NM_181504.4); c.726-18T>C (NM_001242466.2).
Identifiers: ClinVar variation 5006917 (VCV005006917.2).

ClinVar aggregate classification (germline): Uncertain significance (1 of 4 stars; one submission).

Conditions:
SHORT syndrome. Also called: SHORT STATURE, HYPEREXTENSIBILITY, HERNIA, OCULAR DEPRESSION, RIEGER ANOMALY, AND TEETHING DELAY; PIK3R1-Related SHORT Syndrome; LIPODYSTROPHY, PARTIAL, WITH RIEGER ANOMALY AND SHORT STATURE. Identifiers: Orphanet 3163, MedGen C0878684, MONDO:0010026, OMIM 269880.
Agammaglobulinemia 7, autosomal recessive (AGM7). Also called: AGAMMAGLOBULINEMIA, AUTOSOMAL RECESSIVE, DUE TO PIK3R1 DEFECT. Identifiers: MedGen C3554689, MONDO:0014083, OMIM 615214.
Immunodeficiency 36 with lymphoproliferation. Also called: Immunodeficiency 36; ACTIVATED PI3K-DELTA SYNDROME 2; Activated PI3K Delta Syndrome Type 2 (APDS2). Identifiers: Orphanet 397596, Orphanet 693681, MedGen C4014934, MONDO:0014453, OMIM 616005.

Submission:

Juno Genomics, Hangzhou Juno Genomics, Inc
Classification: Uncertain significance for Agammaglobulinemia 7, autosomal recessive; Immunodeficiency 36 with lymphoproliferation; SHORT syndrome. Review status: criteria provided, single submitter. Criteria: ACMG Guidelines, 2015. Collection method: clinical testing. Allele origin: germline.
Comment: Absent from controls (or at extremely low frequency if recessive) in Genome Aggregation Database.;Multiple lines of computational evidence support a deleterious effect on the gene or gene product.